The following is an entry in ClinVar:

NM_003079.5(SMARCE1):c.554G>C (p.Gly185Ala)

Gene: SMARCE1 (SWI/SNF related BAF chromatin remodeling complex subunit E1; minus strand). Cytogenetic location: 17q21.2.
Variant type: single nucleotide variant.
Coding change: c.554G>C on transcript NM_003079.5 (MANE Select); coding-DNA position 554, G replaced by C.
Protein change: p.Gly185Ala; replaces glycine 185 with alanine.
Molecular consequence: missense variant.
Genome position (GRCh38, 1-based): chr17:40,632,355, C>G on the plus strand (G>C on the coding strand, the complement: SMARCE1 is on the minus strand). VCF-style: chr17-40632355-C-G. GRCh37 (hg19) VCF-style: chr17-38788607-C-G.
Other names: short protein forms G185A.
Identifiers: ClinVar variation 4170313 (VCV004170313.1).

ClinVar aggregate classification (germline): Uncertain significance (1 of 4 stars; one submission).

Conditions:
Hereditary cancer-predisposing syndrome. Also called: Neoplastic Syndromes, Hereditary; Tumor predisposition; Hereditary Cancer Syndrome; Hereditary neoplastic syndrome. Identifiers: Orphanet 140162, MedGen C0027672, MeSH D009386, MONDO:0015356.

Submission:

Ambry Genetics
Classification: Uncertain significance for Hereditary cancer-predisposing syndrome. Last evaluated: 2025-08-21. Review status: criteria provided, single submitter. Criteria: Ambry Variant Classification Scheme 2023. Collection method: clinical testing. Allele origin: germline.
Comment: The p.G185A variant (also known as c.554G>C), located in coding exon 7 of the SMARCE1 gene, results from a G to C substitution at nucleotide position 554. The glycine at codon 185 is replaced by alanine, an amino acid with similar properties. This amino acid position is conserved. In addition, the in silico prediction for this alteration is inconclusive. Based on the available evidence, the clinical significance of this variant remains unclear.